The following is an entry in ClinVar:

ClinVar aggregate classification (germline): Uncertain significance (1 of 4 stars; one submission).

Submission:

GeneDx
Classification: Uncertain significance. Last evaluated: 2022-09-13. Review status: criteria provided, single submitter. Criteria: GeneDx Variant Classification Process June 2021. Collection method: clinical testing. Allele origin: germline. Affected: yes.
Comment: Not observed at significant frequency in large population cohorts (gnomAD); In silico analysis supports that this missense variant does not alter protein structure/function; Has not been previously published as pathogenic or benign to our knowledge

NM_003412.4(ZIC1):c.386G>A (p.Gly129Glu)

Gene: ZIC1 (Zic family member 1; plus strand). Cytogenetic location: 3q24.
Variant type: single nucleotide variant.
Coding change: c.386G>A on transcript NM_003412.4 (MANE Select); coding-DNA position 386, G replaced by A.
Protein change: p.Gly129Glu; replaces glycine 129 with glutamic acid.
Molecular consequence: missense variant.
Genome position (GRCh38, 1-based): chr3:147,410,498, G>A. VCF-style: chr3-147410498-G-A. GRCh37 (hg19) VCF-style: chr3-147128285-G-A.
Other names: short protein forms G129E.
Identifiers: ClinVar variation 2443387 (VCV002443387.1), dbSNP rs1252608342, ClinGen allele CA354896579.